The following is an entry in ClinVar:

ClinVar aggregate classification (germline): Uncertain significance (0 of 4 stars; one submission).

Conditions:
GNAS-related disorder. Identifiers: MedGen CN380105.

Allele frequency attached by ClinVar (database versions not stated): TOPMed 0.00002.
gnomAD v4.1: 9 of 1,535,542 alleles (0.00059%); highest among the groups gnomAD compares: Admixed American, 0.014%; no homozygotes.

Submission:

PreventionGenetics, part of Exact Sciences
Classification: Uncertain significance for GNAS-related condition. Last evaluated: 2024-08-05. Review status: no assertion criteria provided. Collection method: clinical testing. Allele origin: germline.
Comment: The GNAS c.1172C>T variant is predicted to result in the amino acid substitution p.Pro391Leu. In the more commonly reported transcript (NM_000516.5), this variant is pre-coding (c.-37103C>T). To our knowledge, this variant has not been reported in the literature. This variant is reported in 0.020% of alleles in individuals of Latino descent in gnomAD. Although we suspect that this variant may be benign, at this time, the clinical significance of this variant is uncertain due to the absence of conclusive functional and genetic evidence.

NM_080425.4(GNAS):c.1359C>T (p.Pro453=)

Gene: GNAS (GNAS complex locus; plus strand). Cytogenetic location: 20q13.32.
Variant type: single nucleotide variant.
Coding change: c.1359C>T on transcript NM_080425.4 (MANE Plus Clinical); coding-DNA position 1359, C replaced by T.
Protein change: p.Pro453=; no amino-acid change (proline 453 retained).
Molecular consequence: synonymous variant. On other transcripts: missense variant (2), intron variant (3).
Genome position (GRCh38, 1-based): chr20:58,854,624, C>T. VCF-style: chr20-58854624-C-T. GRCh37 (hg19) VCF-style: chr20-57429679-C-T.
Other names: c.1172C>T, p.Pro391Leu (NM_001077490.3, NM_001309883.1); c.1359C>T, p.Pro453= (NM_001410913.1); c.*42+13738C>T (NM_016592.5); c.43+13738C>T (NM_001410912.1); c.-39+12749C>T (NM_001309861.2); short protein forms P391L.
Identifiers: ClinVar variation 3046081 (VCV003046081.2), dbSNP rs1162576462, ClinGen allele CA409460265.